The following is an entry in ClinVar:

NM_004618.5(TOP3A):c.760G>A (p.Glu254Lys)

Gene: TOP3A (DNA topoisomerase III alpha; minus strand). Cytogenetic location: 17p11.2.
Variant type: single nucleotide variant.
Coding change: c.760G>A on transcript NM_004618.5 (MANE Select); coding-DNA position 760, G replaced by A.
Protein change: p.Glu254Lys; replaces glutamic acid 254 with lysine.
Molecular consequence: missense variant.
Genome position (GRCh38, 1-based): chr17:18,302,318, C>T on the plus strand (G>A on the coding strand, the complement: TOP3A is on the minus strand). VCF-style: chr17-18302318-C-T. GRCh37 (hg19) VCF-style: chr17-18205632-C-T.
Other names: c.475G>A, p.Glu159Lys (NM_001320759.2); short protein forms E159K, E254K.
Identifiers: ClinVar variation 3069032 (VCV003069032.2), dbSNP rs2545622066, ClinGen allele CA398637787.
Genomic context (GRCh38, chr17:18,302,318, plus strand): 5'-CCCTACCTTTAATTCTGTGGAAGATTTCTGGTACAAAAGCCTGAATGGCTTTGAACCGCT[C>T]CACCACAAAGCCCAGTGTGGGGAACTGGCAGCTGCCGTAACTGATGAGCTGCTCTGCCAG-3'
Protein context (NP_004609.1, residues 244-264): CQFPTLGFVV[Glu254Lys]RFKAIQAFVP

ClinVar aggregate classification (germline): Uncertain significance (1 of 4 stars; one submission).

Submission:

Women's Health and Genetics/Laboratory Corporation of America, LabCorp
Classification: Uncertain significance. Last evaluated: 2024-02-16. Review status: criteria provided, single submitter. Criteria: LabCorp Variant Classification Summary - May 2015. Collection method: clinical testing. Allele origin: germline.
Comment: Variant summary: TOP3A c.760G>A (p.Glu254Lys) results in a conservative amino acid change located in the DNA topoisomerase, type IA, domain 2 (IPR003601) of the encoded protein sequence. Three of five in-silico tools predict a damaging effect of the variant on protein function. The variant was absent in 250862 control chromosomes (gnomAD). The available data on variant occurrences in the general population are insufficient to allow any conclusion about variant significance. To our knowledge, no occurrence of c.760G>A in individuals affected with TOP3A-Related Disorders and no experimental evidence demonstrating its impact on protein function have been reported. No submitters have cited clinical-significance assessments for this variant to ClinVar. Based on the evidence outlined above, the variant was classified as uncertain significance.